The following is an entry in ClinVar:

ClinVar aggregate classification (germline): Uncertain significance (1 of 4 stars; one submission).

Submission:

Labcorp Genetics (formerly Invitae), Labcorp
Classification: Uncertain significance. Last evaluated: 2024-11-18. Review status: criteria provided, single submitter. Criteria: Invitae Variant Classification Sherloc (09022015). Collection method: clinical testing. Allele origin: germline.
Comment: This sequence change replaces proline, which is neutral and non-polar, with leucine, which is neutral and non-polar, at codon 731 of the TNNI3K protein (p.Pro731Leu). This variant is not present in population databases (gnomAD no frequency). This variant has not been reported in the literature in individuals affected with TNNI3K-related conditions. An algorithm developed to predict the effect of missense changes on protein structure and function (PolyPhen-2) suggests that this variant is likely to be tolerated. In summary, the available evidence is currently insufficient to determine the role of this variant in disease. Therefore, it has been classified as a Variant of Uncertain Significance.

NM_015978.3(TNNI3K):c.2192C>T (p.Pro731Leu)

Genes: FPGT-TNNI3K (FPGT-TNNI3K readthrough; plus strand), LRRC53 (leucine rich repeat containing 53; minus strand), TNNI3K (TNNI3 interacting kinase; plus strand). Cytogenetic location: 1p31.1.
Variant type: single nucleotide variant.
Coding change: c.2192C>T on transcript NM_015978.3 (MANE Select); coding-DNA position 2192, C replaced by T.
Protein change: p.Pro731Leu; replaces proline 731 with leucine.
Molecular consequence: missense variant. On other transcripts: intron variant (2).
Genome position (GRCh38, 1-based): chr1:74,492,107, C>T. VCF-style: chr1-74492107-C-T. GRCh37 (hg19) VCF-style: chr1-74957791-C-T.
Other names: c.2495C>T, p.Pro832Leu (NM_001112808.3); c.-8-11139G>A (NM_001364666.2); c.-26-8732G>A (NM_001382280.1); short protein forms P731L, P832L.
Identifiers: ClinVar variation 3694536 (VCV003694536.2).